The following is an entry in ClinVar:

ClinVar aggregate classification (germline): Uncertain significance (1 of 4 stars; one submission).

Conditions:
Mitochondrial complex I deficiency, nuclear type 5. Also called: Mitochondrial complex 1 deficiency, nuclear type 5. Identifiers: MedGen C4748754, MONDO:0032610, OMIM 618226.

Submission:

Neuberg Centre For Genomic Medicine, NCGM
Classification: Uncertain significance for Mitochondrial complex I deficiency, nuclear type 5. Review status: criteria provided, single submitter. Criteria: ACMG Guidelines, 2015. Collection method: clinical testing. Allele origin: germline. Inheritance: Autosomal recessive inheritance. Affected: yes.
Comment: The missense variant p.I130N in NDUFS1 (NM_005006.7) has not been reported previously as a pathogenic variant nor as a benign variant, to our knowledge. The p.I130N variant is novel (not in any individuals) in gnomAD Exomes and is novel (not in any individuals) in 1000 Genomes. There is a large physicochemical difference between isoleucine and asparagine, which is likely to impact secondary protein structure as these residues differ in polarity, charge, size and/or other properties. The p.I130N missense variant is predicted to be damaging by both SIFT and PolyPhen2. The isoleucine residue at codon 130 of NDUFS1 is conserved in all mammalian species. The nucleotide c.389 in NDUFS1 is predicted conserved by GERP++ and PhyloP across 100 vertebrates. For these reasons, this variant has been classified as Uncertain Significance.

NM_005006.7(NDUFS1):c.389T>A (p.Ile130Asn)

Gene: NDUFS1 (NADH:ubiquinone oxidoreductase core subunit S1; minus strand). Cytogenetic location: 2q33.3.
Variant type: single nucleotide variant.
Coding change: c.389T>A on transcript NM_005006.7 (MANE Select); coding-DNA position 389, T replaced by A.
Protein change: p.Ile130Asn; replaces isoleucine 130 with asparagine.
Molecular consequence: missense variant.
Genome position (GRCh38, 1-based): chr2:206,147,784, A>T on the plus strand (T>A on the coding strand, the complement: NDUFS1 is on the minus strand). VCF-style: chr2-206147784-A-T. GRCh37 (hg19) VCF-style: chr2-207012508-A-T.
Other names: c.281T>A, p.Ile94Asn (NM_001199981.2); c.56T>A, p.Ile19Asn (NM_001199982.2); c.218T>A, p.Ile73Asn (NM_001199983.2); c.431T>A, p.Ile144Asn (NM_001199984.2); short protein forms I130N, I144N, I19N, I73N, I94N.
Identifiers: ClinVar variation 2627982 (VCV002627982.1), dbSNP rs2470067895, ClinGen allele CA350062363.